The following is an entry in ClinVar:

NM_006744.4(RBP4):c.481G>A (p.Gly161Ser)

Gene: RBP4 (retinol binding protein 4; minus strand). Cytogenetic location: 10q23.33.
Variant type: single nucleotide variant.
Coding change: c.481G>A on transcript NM_006744.4 (MANE Select); coding-DNA position 481, G replaced by A.
Protein change: p.Gly161Ser; replaces glycine 161 with serine.
Molecular consequence: missense variant.
Genome position (GRCh38, 1-based): chr10:93,593,910, C>T on the plus strand (G>A on the coding strand, the complement: RBP4 is on the minus strand). VCF-style: chr10-93593910-C-T. GRCh37 (hg19) VCF-style: chr10-95353667-C-T.
Other names: c.481G>A, p.Gly161Ser (NM_001323517.1); c.475G>A, p.Gly159Ser (NM_001323518.2); short protein forms G161S, G159S.
Identifiers: ClinVar variation 1469658 (VCV001469658.6), dbSNP rs372010388, ClinGen allele CA5609542.

ClinVar aggregate classification (germline): Uncertain significance (1 of 4 stars; one submission).

Allele frequency attached by ClinVar (database versions not stated): 1000 Genomes Project 30x 0.00016; 1000 Genomes Project 0.00020.
gnomAD v4.1: 9 of 1,613,962 alleles (0.00056%); highest among the groups gnomAD compares: South Asian, 0.0033%; no homozygotes.

Submission:

Labcorp Genetics (formerly Invitae), Labcorp
Classification: Uncertain significance. Last evaluated: 2021-11-20. Review status: criteria provided, single submitter. Criteria: Invitae Variant Classification Sherloc (09022015). Collection method: clinical testing. Allele origin: germline.
Comment: In summary, the available evidence is currently insufficient to determine the role of this variant in disease. Therefore, it has been classified as a Variant of Uncertain Significance. Algorithms developed to predict the effect of sequence changes on RNA splicing suggest that this variant may create or strengthen a splice site. Algorithms developed to predict the effect of missense changes on protein structure and function are either unavailable or do not agree on the potential impact of this missense change (SIFT: "Deleterious"; PolyPhen-2: "Probably Damaging"; Align-GVGD: "Class C0"). This variant has not been reported in the literature in individuals affected with RBP4-related conditions. This variant is present in population databases (rs372010388, gnomAD 0.006%). This sequence change replaces glycine, which is neutral and non-polar, with serine, which is neutral and polar, at codon 161 of the RBP4 protein (p.Gly161Ser).